The following is an entry in ClinVar:

ClinVar aggregate classification (germline): Uncertain significance (1 of 4 stars; one submission).

Conditions:
FLNB-related disorder. Also called: FLNB-related condition; FLNB-related disorders. Identifiers: MedGen CN381095.

Submission:

PreventionGenetics, part of Exact Sciences
Classification: Uncertain significance for FLNB-related condition. Last evaluated: 2023-07-14. Review status: criteria provided, single submitter. Criteria: ACMG Guidelines, 2015. Collection method: clinical testing. Allele origin: germline.
Comment: The FLNB c.2755C>A variant is predicted to result in the amino acid substitution p.Gln919Lys. To our knowledge, this variant has not been reported in the literature or in a large population database, indicating this variant is rare. At this time, the clinical significance of this variant is uncertain due to the absence of conclusive functional and genetic evidence.

NM_001457.4(FLNB):c.2755C>A (p.Gln919Lys)

Gene: FLNB (filamin B; plus strand). Cytogenetic location: 3p14.3.
Variant type: single nucleotide variant.
Coding change: c.2755C>A on transcript NM_001457.4 (MANE Select); coding-DNA position 2755, C replaced by A.
Protein change: p.Gln919Lys; replaces glutamine 919 with lysine.
Molecular consequence: missense variant.
Genome position (GRCh38, 1-based): chr3:58,118,881, C>A. VCF-style: chr3-58118881-C-A. GRCh37 (hg19) VCF-style: chr3-58104608-C-A.
Other names: c.2755C>A, p.Gln919Lys (NM_001164317.2, NM_001164318.2, NM_001164319.2); short protein forms Q919K.
Identifiers: ClinVar variation 2631533 (VCV002631533.1), dbSNP rs569371124, ClinGen allele CA353346505.
Genomic context (GRCh38, chr3:58,118,881, plus strand): 5'-AGTTAGCTTTTTGGTACCCAAAGGTAAACTGAGTTTTCTCTCTTGTTCCAGGGCAACATG[C>A]AGGTTCTGGTGACTTACGGTGGCGATCCCATCCCTAAAAGCCCTTTCACTGTGGGTGTTG-3'
Protein context (NP_001448.2, residues 909-929): KYTPTQQGNM[Gln919Lys]VLVTYGGDPI